The following is an entry in ClinVar:

ClinVar aggregate classification (germline): Pathogenic/Likely pathogenic. Review status: criteria provided, multiple submitters, no conflicts (2 of 4 stars). 2 submissions from 2 submitters: Pathogenic (1); Likely pathogenic (1). Last evaluated 2024-10-15.

Conditions:
Glutaric aciduria, type 1. Also called: Glutaric Acidemia Type 1; GA I; Glutaricacidemia Type 1; Glutaricaciduria, type I; Glutaryl-CoA dehydrogenase deficiency; Glutaric acidemia type I. Identifiers: Orphanet 25, MedGen C0268595, MONDO:0009281, OMIM 231670.

Submissions (2):

Labcorp Genetics (formerly Invitae), Labcorp
Classification: Pathogenic for Glutaric aciduria, type 1. Last evaluated: 2024-10-15. Review status: criteria provided, single submitter. Criteria: Invitae Variant Classification Sherloc (09022015). Collection method: clinical testing. Allele origin: germline.
Comment: This sequence change replaces leucine, which is neutral and non-polar, with valine, which is neutral and non-polar, at codon 179 of the GCDH protein (p.Leu179Val). This variant is not present in population databases (gnomAD no frequency). This missense change has been observed in individual(s) with glutaric acidemia, type I (PMID: 34504725). ClinVar contains an entry for this variant (Variation ID: 1447879). Invitae Evidence Modeling of protein sequence and biophysical properties (such as structural, functional, and spatial information, amino acid conservation, physicochemical variation, residue mobility, and thermodynamic stability) indicates that this missense variant is expected to disrupt GCDH protein function with a positive predictive value of 80%. This variant disrupts the p.Leu179 amino acid residue in GCDH. Other variant(s) that disrupt this residue have been determined to be pathogenic (PMID: 34504725). This suggests that this residue is clinically significant, and that variants that disrupt this residue are likely to be disease-causing. For these reasons, this variant has been classified as Pathogenic.

Women's Health and Genetics/Laboratory Corporation of America, LabCorp
Classification: Likely pathogenic for Glutaric aciduria, type 1. Last evaluated: 2024-05-01. Review status: criteria provided, single submitter. Criteria: LabCorp Variant Classification Summary - May 2015. Collection method: clinical testing. Allele origin: germline.
Comment: Variant summary: GCDH c.535C>G (p.Leu179Val) results in a conservative amino acid change located in the Acyl-CoA dehydrogenase/oxidase, C-terminal domain (IPR006091) of the encoded protein sequence. Four of five in-silico tools predict a damaging effect of the variant on protein function. The variant was absent in 251278 control chromosomes. c.535C>G has been reported as homozygous in the literature in an individual affected with Glutaric Acidemia Type 1 (Tamhankar_2021). These data indicate that the variant may be associated with disease. A different variant affecting the same codon has been classified as pathogenic by our lab (c.536T>G, p.Leu179Arg), supporting the critical relevance of codon 179 to GCDH protein function. To our knowledge, no experimental evidence demonstrating an impact on protein function has been reported. The following publications have been ascertained in the context of this evaluation (PMID: 37020324, 34504725, 38137040). ClinVar contains an entry for this variant (Variation ID: 1447879). Based on the evidence outlined above, the variant was classified as likely pathogenic.

Literature cited by the submitters: PubMed 34504725 (cited by Labcorp Genetics (formerly Invitae), Labcorp and Women's Health and Genetics/Laboratory Corporation of America, LabCorp); PubMed 37020324 (cited by Women's Health and Genetics/Laboratory Corporation of America, LabCorp); PubMed 38137040 (cited by Women's Health and Genetics/Laboratory Corporation of America, LabCorp).

NM_000159.4(GCDH):c.535C>G (p.Leu179Val)

Gene: GCDH (glutaryl-CoA dehydrogenase; plus strand). Cytogenetic location: 19p13.13.
Variant type: single nucleotide variant.
Coding change: c.535C>G on transcript NM_000159.4 (MANE Select); coding-DNA position 535, C replaced by G.
Protein change: p.Leu179Val; replaces leucine 179 with valine.
Molecular consequence: missense variant. On other transcripts: non-coding transcript variant (2).
Genome position (GRCh38, 1-based): chr19:12,896,021, C>G. VCF-style: chr19-12896021-C-G. GRCh37 (hg19) VCF-style: chr19-13006835-C-G.
Other names: c.535C>G, p.Leu179Val (NM_013976.5); short protein forms L179V.
Identifiers: ClinVar variation 1447879 (VCV001447879.7), dbSNP rs201714645, ClinGen allele CA404317998.